The following is an entry in ClinVar:

ClinVar aggregate classification (germline): Likely pathogenic (1 of 4 stars; one submission).

Conditions:
Hemolytic anemia due to glutathione reductase deficiency (CNSHA10). Also called: ANEMIA, CONGENITAL, NONSPHEROCYTIC HEMOLYTIC, 10. Identifiers: Orphanet 90030, MedGen C5231513, MONDO:0019531, OMIM 618660.

Submission:

First Genomix Gene Laboratory, Genetic Diagnostics Department
Classification: Likely pathogenic for Hemolytic anemia due to glutathione reductase deficiency. Last evaluated: 2025-09-19. Review status: criteria provided, single submitter. Criteria: ACMG Guidelines, 2015. Collection method: clinical testing. Allele origin: germline. Inheritance: Autosomal recessive inheritance. Affected: no. Observed: 1 variant allele.

NM_000637.5(GSR):c.21_27dup (p.Ala10fs)

Genes: GSR (glutathione-disulfide reductase; minus strand), LOC130000170 (ATAC-STARR-seq lymphoblastoid silent region 19083; plus strand). Cytogenetic location: 8p12.
Variant type: Duplication.
Coding change: c.21_27dup on transcript NM_000637.5 (MANE Select); coding-DNA positions 21 to 27, 7 bases duplicated (CCTGAGC; older notation c.21_27dupCCTGAGC).
Protein change: p.Ala10fs; shifts the reading frame from alanine 10.
Molecular consequence: frameshift variant.
Genome position (GRCh38, 1-based): chr8:30,727,809-30,727,815, GCTCAGG duplicated on the plus strand (CCTGAGC on the coding strand, the reverse complement: GSR is on the minus strand); duplicating any 7 consecutive bases within chr8:30,727,809-30,727,819 gives the same sequence; the c. name uses the placement nearest the transcript's 3' end. VCF-style (leftmost placement, unchanged base first): chr8-30727808-C-CGCTCAGG. GRCh37 (hg19) VCF-style: chr8-30585325-C-CGCTCAGG.
Other names: c.21_27dup, p.Ala10fs (NM_001195102.3, NM_001195103.3, NM_001195104.3); short protein forms A10fs.
Identifiers: ClinVar variation 4850381 (VCV004850381.1).